The following is an entry in ClinVar:

ClinVar aggregate classification (germline): Uncertain significance (1 of 4 stars; one submission).

Submission:

Labcorp Genetics (formerly Invitae), Labcorp
Classification: Uncertain significance. Last evaluated: 2023-08-17. Review status: criteria provided, single submitter. Criteria: Invitae Variant Classification Sherloc (09022015). Collection method: clinical testing. Allele origin: germline.
Comment: In summary, the available evidence is currently insufficient to determine the role of this variant in disease. Therefore, it has been classified as a Variant of Uncertain Significance. Advanced modeling of protein sequence and biophysical properties (such as structural, functional, and spatial information, amino acid conservation, physicochemical variation, residue mobility, and thermodynamic stability) performed at Invitae indicates that this missense variant is not expected to disrupt POLE protein function. ClinVar contains an entry for this variant (Variation ID: 963314). This variant has not been reported in the literature in individuals affected with POLE-related conditions. This variant is not present in population databases (gnomAD no frequency). This sequence change replaces glutamic acid, which is acidic and polar, with lysine, which is basic and polar, at codon 915 of the POLE protein (p.Glu915Lys).

NM_006231.4(POLE):c.2743G>A (p.Glu915Lys)

Gene: POLE (DNA polymerase epsilon, catalytic subunit; minus strand). Cytogenetic location: 12q24.33.
Variant type: single nucleotide variant.
Coding change: c.2743G>A on transcript NM_006231.4 (MANE Select); coding-DNA position 2743, G replaced by A.
Protein change: p.Glu915Lys; replaces glutamic acid 915 with lysine.
Molecular consequence: missense variant.
Genome position (GRCh38, 1-based): chr12:132,661,648, C>T on the plus strand (G>A on the coding strand, the complement: POLE is on the minus strand). VCF-style: chr12-132661648-C-T. GRCh37 (hg19) VCF-style: chr12-133238234-C-T.
Other names: short protein forms E915K.
Identifiers: ClinVar variation 963314 (VCV000963314.9), dbSNP rs2042684654, ClinGen allele CA387393949.